The following is an entry in ClinVar:

ClinVar aggregate classification (germline): Uncertain significance. Review status: criteria provided, multiple submitters, no conflicts (2 of 4 stars). 4 submissions from 4 submitters: Uncertain significance (4). Last evaluated 2025-07-01.

Conditions:
TMEM165-congenital disorder of glycosylation. Also called: Congenital disorder of glycosylation type 2k; TMEM165-CDG; CDG IIk. Identifiers: Orphanet 314667, MedGen C3553571, MONDO:0013870, OMIM 614727.

Allele frequency attached by ClinVar (database versions not stated): gnomAD exomes 0.00021; TOPMed 0.00023; gnomAD 0.00025 and 0.00026; ExAC 0.00057.
gnomAD v4.1: 364 of 1,496,596 alleles (0.024%); highest among the groups gnomAD compares: Middle Eastern, 0.069%; no homozygotes.

Submissions (4):

Ambry Genetics
Classification: Uncertain significance. Last evaluated: 2025-07-01. Review status: criteria provided, single submitter. Criteria: Ambry Variant Classification Scheme 2023. Collection method: clinical testing. Allele origin: germline.

GeneDx
Classification: Uncertain significance. Last evaluated: 2024-02-09. Review status: criteria provided, single submitter. Criteria: GeneDx Variant Classification Process June 2021. Collection method: clinical testing. Allele origin: germline. Affected: yes.
Comment: In silico analysis supports that this missense variant does not alter protein structure/function; Has not been previously published as pathogenic or benign to our knowledge

Labcorp Genetics (formerly Invitae), Labcorp
Classification: Uncertain significance for TMEM165-congenital disorder of glycosylation. Last evaluated: 2022-09-21. Review status: criteria provided, single submitter. Criteria: Invitae Variant Classification Sherloc (09022015). Collection method: clinical testing. Allele origin: germline.
Comment: This sequence change replaces leucine, which is neutral and non-polar, with methionine, which is neutral and non-polar, at codon 18 of the TMEM165 protein (p.Leu18Met). This variant is present in population databases (rs756276628, gnomAD 0.06%). This variant has not been reported in the literature in individuals affected with TMEM165-related conditions. ClinVar contains an entry for this variant (Variation ID: 976570). Algorithms developed to predict the effect of missense changes on protein structure and function (SIFT, PolyPhen-2, Align-GVGD) all suggest that this variant is likely to be tolerated. In summary, the available evidence is currently insufficient to determine the role of this variant in disease. Therefore, it has been classified as a Variant of Uncertain Significance.

Illumina Laboratory Services, Illumina
Classification: Uncertain significance for TMEM165-congenital disorder of glycosylation. Last evaluated: 2018-01-13. Review status: criteria provided, single submitter. Criteria: ICSL Variant Classification Criteria 13 December 2019. Collection method: clinical testing. Allele origin: germline.

NM_018475.5(TMEM165):c.52C>A (p.Leu18Met)

Genes: TMEM165 (transmembrane protein 165; plus strand), LOC129992613 (ATAC-STARR-seq lymphoblastoid silent region 15439; plus strand). Cytogenetic location: 4q12.
Variant type: single nucleotide variant.
Coding change: c.52C>A on transcript NM_018475.5 (MANE Select); coding-DNA position 52, C replaced by A.
Protein change: p.Leu18Met; replaces leucine 18 with methionine.
Molecular consequence: missense variant. On other transcripts: non-coding transcript variant (1).
Genome position (GRCh38, 1-based): chr4:55,396,241, C>A. VCF-style: chr4-55396241-C-A. GRCh37 (hg19) VCF-style: chr4-56262408-C-A.
Other names: c.52C>A (NM_018475.3); short protein forms L18M.
Identifiers: ClinVar variation 976570 (VCV000976570.11), dbSNP rs756276628, ClinGen allele CA2925439.